The following is an entry in ClinVar:

ClinVar aggregate classification (germline): Uncertain significance (1 of 4 stars; one submission).

gnomAD v4.1: 39 of 1,613,996 alleles (0.0024%); highest among the groups gnomAD compares: Middle Eastern, 0.017%; no homozygotes.

Submission:

CeGaT Center for Human Genetics Tuebingen
Classification: Uncertain significance. Last evaluated: 2026-04-01. Review status: criteria provided, single submitter. Criteria: CeGaT Center For Human Genetics Tuebingen Variant Classification Criteria Version 2. Collection method: clinical testing. Allele origin: germline. Affected: yes. Observed: 1 variant allele.
Comment: KANK1: PM2

NM_015158.5(KANK1):c.2612C>T (p.Ser871Leu)

Gene: KANK1 (KN motif and ankyrin repeat domains 1; plus strand). Cytogenetic location: 9p24.3.
Variant type: single nucleotide variant.
Coding change: c.2612C>T on transcript NM_015158.5 (MANE Select); coding-DNA position 2612, C replaced by T.
Protein change: p.Ser871Leu; replaces serine 871 with leucine.
Molecular consequence: missense variant. On other transcripts: non-coding transcript variant (1).
Genome position (GRCh38, 1-based): chr9:713,378, C>T. VCF-style: chr9-713378-C-T. GRCh37 (hg19) VCF-style: chr9-713378-C-T.
Other names: c.2612C>T, p.Ser871Leu (NM_001256876.3, NM_001256877.3, NM_001354331.2 and 3 more transcripts); c.2138C>T, p.Ser713Leu (NM_001354333.2, NM_001354335.2, NM_001354336.2 and 10 more transcripts); short protein forms S713L, S871L.
Identifiers: ClinVar variation 4873430 (VCV004873430.2).